The following is an entry in ClinVar:

NM_000418.4(IL4R):c.1758C>T (p.Gly586=)

Gene: IL4R (interleukin 4 receptor; plus strand). Cytogenetic location: 16p12.1.
Variant type: single nucleotide variant.
Coding change: c.1758C>T on transcript NM_000418.4 (MANE Select); coding-DNA position 1758, C replaced by T.
Protein change: p.Gly586=; no amino-acid change (glycine 586 retained).
Molecular consequence: synonymous variant.
Genome position (GRCh38, 1-based): chr16:27,363,110, C>T. VCF-style: chr16-27363110-C-T. GRCh37 (hg19) VCF-style: chr16-27374431-C-T.
Other names: c.1758C>T, p.Gly586= (NM_001257406.2); c.1713C>T, p.Gly571= (NM_001257407.2); c.1278C>T, p.Gly426= (NM_001257997.2).
Identifiers: ClinVar variation 2646339 (VCV002646339.24), dbSNP rs369069251, ClinGen allele CA7974628.

ClinVar aggregate classification (germline): Likely benign (1 of 4 stars; one submission).

Allele frequency attached by ClinVar (database versions not stated): ExAC 0.00003; gnomAD 0.00003; gnomAD exomes 0.00003; TOPMed 0.00006; ESP Exome Variant Server 0.00015.
gnomAD v4.1: 44 of 1,613,962 alleles (0.0027%); highest among the groups gnomAD compares: Non-Finnish European, 0.0034%; no homozygotes.

Submission:

CeGaT Center for Human Genetics Tuebingen
Classification: Likely benign. Last evaluated: 2022-06-01. Review status: criteria provided, single submitter. Criteria: CeGaT Center For Human Genetics Tuebingen Variant Classification Criteria Version 2. Collection method: clinical testing. Allele origin: germline. Affected: yes. Observed: 1 variant allele.
Comment: IL4R: BP4, BP7